The following is an entry in ClinVar:

ClinVar aggregate classification (germline): Pathogenic/Likely pathogenic. Review status: criteria provided, multiple submitters, no conflicts (2 of 4 stars). 5 submissions from 5 submitters: Pathogenic (3); Likely pathogenic (2). Last evaluated 2025-06-20.

Conditions:
GNAS-related disorder. Identifiers: MedGen CN380105.
Pseudohypoparathyroidism type 1C (PHP1C). Also called: Pseudohypoparathyroidism Ic (PHP-Ic); PHP IC; PSEUDOHYPOPARATHYROIDISM, TYPE IC. Identifiers: Orphanet 79444, MedGen C2932716, MONDO:0012911, OMIM 612462.
Pseudohypoparathyroidism type I A (PHP1A). Also called: Pseudohypoparathyroidism Type IA; ALBRIGHT HEREDITARY OSTEODYSTROPHY WITH MULTIPLE HORMONE RESISTANCE; Pseudohypoparathyroidism Ia (PHP-Ia); PHP IA; Pseudohypoparathyroidism type 1A. Identifiers: Orphanet 79443, MedGen C3494506, MONDO:0007078, OMIM 103580.

Submissions (5):

PreventionGenetics, part of Exact Sciences
Classification: Pathogenic for GNAS-related condition. Last evaluated: 2025-06-20. Review status: criteria provided, single submitter. Criteria: ACMG Guidelines, 2015. Collection method: clinical testing. Allele origin: germline.
Comment: The GNAS c.1006C>T variant is predicted to result in the amino acid substitution p.Arg336Trp. This variant has been reported in individuals with pseudohypoparathyroidism Ia (Ahrens et al. 2001. PubMed ID: 11600516; referred to as c.1009C>T, Elli et al. 2013. PubMed ID: 23281139; Salemi et al. 2018. PubMed ID: 29059381; Table S5, MacCarrick et al. 2024. PubMed ID: 38702915) and pseudopseudohypoparathyroidism (referred to as c.1009C>T in Table 1, Snanoudj et al. 2020. PubMed ID: 31886927). This variant has not been reported in a large population database (gnomAD), indicating this variant is rare. This variant is interpreted as pathogenic.

Suzhou Clinical Center for Rare Diseases in Children, Children's Hospital of Soochow University
Classification: Likely pathogenic for Pseudohypoparathyroidism type I A. Last evaluated: 2024-09-01. Review status: criteria provided, single submitter. Criteria: ACMG Guidelines, 2015. Collection method: clinical testing. Allele origin: de novo. Affected: yes.
Comment: The NM_000516.7:c.1006C>T (p.Arg336Trp) variant of GNAS is a missense variant that was not detected in the peripheral blood of the parents of the tested individuals by sanger sequencing, suggesting it may be a de novo variant (PM6). This variant has been detected in at least three patients with pseudo-hypoparathyroidism in a heterozygous form (PubMed:31886927,23281139(NM_001077488.5:c.1009C>T);29059381,11600516)(PS4_Moderate). Studies have shown that the activity of Gsα protein in red blood cells of patients carrying this variant is reduced to 47% (normal range is between 85-115%)(PubMed:11600516) (PS3_Supporting). This variant has not been included in the gnomAD database (PM2_Supproting). According to the ACMG guidelines, this variant is classified as likely pathogenic (PM6+PS4_Moderate+PS3_Supporting+PM2_Supproting).

Labcorp Genetics (formerly Invitae), Labcorp
Classification: Pathogenic. Last evaluated: 2024-01-18. Review status: criteria provided, single submitter. Criteria: Invitae Variant Classification Sherloc (09022015). Collection method: clinical testing. Allele origin: germline.
Comment: This sequence change replaces arginine, which is basic and polar, with tryptophan, which is neutral and slightly polar, at codon 336 of the GNAS protein (p.Arg336Trp). This variant is not present in population databases (gnomAD no frequency). This missense change has been observed in individuals with pseudohypoparathyroidism and/or pseudopseudohypoparathyroidism (PMID: 11600516, 23281139, 29059381, 31886927). This variant is also known as c.1009C>T (p.Arg337Trp) in NM_001077488.2. ClinVar contains an entry for this variant (Variation ID: 1500589). Advanced modeling of protein sequence and biophysical properties (such as structural, functional, and spatial information, amino acid conservation, physicochemical variation, residue mobility, and thermodynamic stability) performed at Invitae indicates that this missense variant is expected to disrupt GNAS protein function with a positive predictive value of 80%. For these reasons, this variant has been classified as Pathogenic.

Blueprint Genetics
Classification: Pathogenic for GNAS-related disorders. Last evaluated: 2023-07-18. Review status: criteria provided, single submitter. Criteria: ACMG Guidelines, 2015. Collection method: clinical testing. Allele origin: germline. Affected: yes. Observed: 1 variant allele.

Laboratorio de Genetica e Diagnostico Molecular, Hospital Israelita Albert Einstein
Classification: Likely pathogenic for Pseudohypoparathyroidism type 1C. Last evaluated: 2022-09-17. Review status: criteria provided, single submitter. Criteria: ACMG Guidelines, 2015. Collection method: clinical testing. Allele origin: germline. Affected: yes. Observed: 1 variant allele.
Comment: ACMG classification criteria: PS4 moderated, PM2 moderated, PP1 supporting, PP3 supporting

Literature cited by the submitters: PubMed 11600516 (cited by Labcorp Genetics (formerly Invitae), Labcorp); PubMed 23281139 (cited by Labcorp Genetics (formerly Invitae), Labcorp); PubMed 29059381 (cited by Labcorp Genetics (formerly Invitae), Labcorp); PubMed 31886927 (cited by Labcorp Genetics (formerly Invitae), Labcorp).

NM_000516.7(GNAS):c.1006C>T (p.Arg336Trp)

Gene: GNAS (GNAS complex locus; plus strand). Cytogenetic location: 20q13.32.
Variant type: single nucleotide variant.
Coding change: c.1006C>T on transcript NM_000516.7 (MANE Select); coding-DNA position 1006, C replaced by T.
Protein change: p.Arg336Trp; replaces arginine 336 with tryptophan.
Molecular consequence: missense variant. On other transcripts: 3 prime UTR variant (2).
Genome position (GRCh38, 1-based): chr20:58,910,369, C>T. VCF-style: chr20-58910369-C-T. GRCh37 (hg19) VCF-style: chr20-57485424-C-T.
Other names: c.1009C>T, p.Arg337Trp (NM_001077488.5); c.961C>T, p.Arg321Trp (NM_001077489.4); c.*867C>T (NM_001077490.3); c.829C>T, p.Arg277Trp (NM_001309840.2, NM_001309861.2); c.*912C>T (NM_016592.5); c.2935C>T, p.Arg979Trp (NM_080425.4); c.964C>T, p.Arg322Trp (NM_080426.4); c.1006C>T (NM_000516.6, NM_000516.5); short protein forms R277W, R322W, R336W, R321W, R337W, R979W.
Identifiers: ClinVar variation 1500589 (VCV001500589.11), dbSNP rs2146299968, ClinGen allele CA409453594.